The following is an entry in ClinVar:

ClinVar aggregate classification (germline): Likely benign (0 of 4 stars; one submission).

Conditions:
STARD9-related disorder. Also called: STARD9-related condition.

Allele frequency attached by ClinVar (database versions not stated): ExAC 0.00035; 1000 Genomes Project 30x 0.00094; 1000 Genomes Project 0.00100; gnomAD 0.00107; TOPMed 0.00152.
gnomAD v4.1: 962 of 1,537,642 alleles (0.063%); highest among the groups gnomAD compares: Middle Eastern, 0.32%; 1 homozygote.

Submission:

PreventionGenetics, part of Exact Sciences
Classification: Likely benign for STARD9-related condition. Last evaluated: 2019-06-12. Review status: no assertion criteria provided. Collection method: clinical testing. Allele origin: germline.
Comment: This variant is classified as likely benign based on ACMG/AMP sequence variant interpretation guidelines (Richards et al. 2015 PMID: 25741868, with internal and published modifications).

NM_020759.3(STARD9):c.4641T>C (p.Phe1547=)

Gene: STARD9 (StAR related lipid transfer domain containing 9; plus strand). Cytogenetic location: 15q15.2.
Variant type: single nucleotide variant.
Coding change: c.4641T>C on transcript NM_020759.3 (MANE Select); coding-DNA position 4641, T replaced by C.
Protein change: p.Phe1547=; no amino-acid change (phenylalanine 1547 retained).
Molecular consequence: synonymous variant.
Genome position (GRCh38, 1-based): chr15:42,686,219, T>C. VCF-style: chr15-42686219-T-C. GRCh37 (hg19) VCF-style: chr15-42978417-T-C.
Identifiers: ClinVar variation 3034224 (VCV003034224.2), dbSNP rs183414402, ClinGen allele CA7514342.